The following is an entry in ClinVar:

NM_001001563.5(TIMM50):c.1045C>T (p.Arg349Cys)

Gene: TIMM50 (translocase of inner mitochondrial membrane 50; plus strand). Cytogenetic location: 19q13.2.
Variant type: single nucleotide variant.
Coding change: c.1045C>T on transcript NM_001001563.5 (MANE Select); coding-DNA position 1045, C replaced by T.
Protein change: p.Arg349Cys; replaces arginine 349 with cysteine.
Molecular consequence: missense variant.
Genome position (GRCh38, 1-based): chr19:39,489,803, C>T. VCF-style: chr19-39489803-C-T. GRCh37 (hg19) VCF-style: chr19-39980443-C-T.
Other names: c.706C>T, p.Arg236Cys (NM_001329559.2); short protein forms R236C, R349C.
Identifiers: ClinVar variation 4695212 (VCV004695212.1).
Genomic context (GRCh38, chr19:39,489,803, plus strand): 5'-CTCTCCAAGTCCAACAAGCAGAACCTCTTCCTTGGCTCCCTCACCAGCCGCTTGTGGCCT[C>T]GCTCCAAACAGCCCTGAACTCTGGGCCTCCTCAAACTCAGTGCCTGGGTCCAGGGCCCCA-3'
Protein context (NP_001001563.2, residues 339-353): LGSLTSRLWP[Arg349Cys]SKQP

ClinVar aggregate classification (germline): Uncertain significance (1 of 4 stars; one submission).

Submission:

Labcorp Genetics (formerly Invitae), Labcorp
Classification: Uncertain significance. Last evaluated: 2025-07-16. Review status: criteria provided, single submitter. Criteria: Invitae Variant Classification Sherloc (09022015). Collection method: clinical testing. Allele origin: germline.
Comment: This sequence change replaces arginine, which is basic and polar, with cysteine, which is neutral and slightly polar, at codon 452 of the TIMM50 protein (p.Arg452Cys). The frequency data for this variant in the population databases is considered unreliable, as metrics indicate poor data quality at this position in the gnomAD database. This variant has not been reported in the literature in individuals affected with TIMM50-related conditions. An algorithm developed to predict the effect of missense changes on protein structure and function (PolyPhen-2) suggests that this variant is likely to be disruptive. In summary, the available evidence is currently insufficient to determine the role of this variant in disease. Therefore, it has been classified as a Variant of Uncertain Significance.